The following is an entry in ClinVar:

NM_000431.4(MVK):c.116T>C (p.Leu39Pro)

Gene: MVK (mevalonate kinase; plus strand). Cytogenetic location: 12q24.11.
Variant type: single nucleotide variant.
Coding change: c.116T>C on transcript NM_000431.4 (MANE Select); coding-DNA position 116, T replaced by C.
Protein change: p.Leu39Pro; replaces leucine 39 with proline.
Molecular consequence: missense variant.
Genome position (GRCh38, 1-based): chr12:109,576,035, T>C. VCF-style: chr12-109576035-T-C. GRCh37 (hg19) VCF-style: chr12-110013840-T-C.
Other names: c.116T>C, p.Leu39Pro (NM_001114185.3, NM_001301182.2); short protein forms L39P.
Identifiers: ClinVar variation 97573 (VCV000097573.1), dbSNP rs104895296, ClinGen allele CA149798.

ClinVar aggregate classification (germline): not provided (0 of 4 stars; one submission).

Conditions:
Hyperimmunoglobulin D with periodic fever (HIDS). Also called: HYPERIMMUNOGLOBULINEMIA D AND PERIODIC FEVER SYNDROME; Hyperimmunoglobulinemia D; Hyperimmunoglobulinemia D with periodic fever. Identifiers: Orphanet 343, MedGen C0398691, MONDO:0009849, OMIM 260920.

Submission:

Unité médicale des maladies autoinflammatoires, CHRU Montpellier
No classification provided. Condition: Hyperimmunoglobulin D with periodic fever. Review status: no classification provided. Collection method: not provided. Allele origin: unknown.
Comment: also involved in OMIM 25117